The following is an entry in ClinVar:

NM_000494.4(COL17A1):c.3070+3G>A

Gene: COL17A1 (collagen type XVII alpha 1 chain; minus strand). Cytogenetic location: 10q25.1.
Variant type: single nucleotide variant.
Coding change: c.3070+3G>A on transcript NM_000494.4 (MANE Select); 3 bases into the intron after coding-DNA position 3070, G replaced by A.
Molecular consequence: intron variant.
Genome position (GRCh38, 1-based): chr10:104,038,403, C>T on the plus strand (G>A on the coding strand, the complement: COL17A1 is on the minus strand). VCF-style: chr10-104038403-C-T. GRCh37 (hg19) VCF-style: chr10-105798161-C-T.
Identifiers: ClinVar variation 3648252 (VCV003648252.2).

ClinVar aggregate classification (germline): Uncertain significance (1 of 4 stars; one submission).

Submission:

Labcorp Genetics (formerly Invitae), Labcorp
Classification: Uncertain significance. Last evaluated: 2024-09-16. Review status: criteria provided, single submitter. Criteria: Invitae Variant Classification Sherloc (09022015). Collection method: clinical testing. Allele origin: germline.
Comment: This sequence change falls in intron 45 of the COL17A1 gene. It does not directly change the encoded amino acid sequence of the COL17A1 protein. It affects a nucleotide within the consensus splice site. This variant is not present in population databases (gnomAD no frequency). This variant has not been reported in the literature in individuals affected with COL17A1-related conditions. Variants that disrupt the consensus splice site are a relatively common cause of aberrant splicing (PMID: 17576681, 9536098). Algorithms developed to predict the effect of sequence changes on RNA splicing suggest that this variant is not likely to affect RNA splicing. In summary, the available evidence is currently insufficient to determine the role of this variant in disease. Therefore, it has been classified as a Variant of Uncertain Significance.

Literature cited by the submitters: PubMed 17576681; PubMed 9536098.